The following is an entry in ClinVar:

NM_031935.3(HMCN1):c.12124G>A (p.Gly4042Ser)

Gene: HMCN1 (hemicentin 1; plus strand). Cytogenetic location: 1q31.1.
Variant type: single nucleotide variant.
Coding change: c.12124G>A on transcript NM_031935.3 (MANE Select); coding-DNA position 12124, G replaced by A.
Protein change: p.Gly4042Ser; replaces glycine 4042 with serine.
Molecular consequence: missense variant.
Genome position (GRCh38, 1-based): chr1:186,120,040, G>A. VCF-style: chr1-186120040-G-A. GRCh37 (hg19) VCF-style: chr1-186089172-G-A.
Other names: short protein forms G4042S.
Identifiers: ClinVar variation 1899672 (VCV001899672.5), dbSNP rs149097353, ClinGen allele CA1294274.

ClinVar aggregate classification (germline): Uncertain significance (1 of 4 stars; one submission).

Allele frequency attached by ClinVar (database versions not stated): ESP Exome Variant Server 0.00008; 1000 Genomes Project 30x 0.00016; 1000 Genomes Project 0.00020.
gnomAD v4.1: 46 of 1,613,918 alleles (0.0029%); highest among the groups gnomAD compares: East Asian, 0.02%; no homozygotes.

Submission:

Labcorp Genetics (formerly Invitae), Labcorp
Classification: Uncertain significance. Last evaluated: 2025-12-29. Review status: criteria provided, single submitter. Criteria: Invitae Variant Classification Sherloc (09022015). Collection method: clinical testing. Allele origin: germline.
Comment: This sequence change replaces glycine, which is neutral and non-polar, with serine, which is neutral and polar, at codon 4042 of the HMCN1 protein (p.Gly4042Ser). This variant is present in population databases (rs149097353, gnomAD 0.02%). This variant has not been reported in the literature in individuals affected with HMCN1-related conditions. ClinVar contains an entry for this variant (Variation ID: 1899672). An algorithm developed to predict the effect of missense changes on protein structure and function outputs the following: PolyPhen-2: "Benign". The serine amino acid residue is found in multiple mammalian species, which suggests that this missense change does not adversely affect protein function. In summary, the available evidence is currently insufficient to determine the role of this variant in disease. Therefore, it has been classified as a Variant of Uncertain Significance.